The following is an entry in ClinVar:

ClinVar aggregate classification (germline): Uncertain significance (1 of 4 stars; one submission).

Submission:

Dasa
Classification: Uncertain significance. Last evaluated: 2024-11-13. Review status: criteria provided, single submitter. Criteria: DASA Assertion Criteria. Collection method: clinical testing. Allele origin: germline.
Comment: NM_001291415.2(KDM6A):c.2081G>T (p.Gly694Val) is a missense variant that results in the substitution of glycine with valine. This variant is absent from population databases. The currently available literature and clinical evidence are not sufficient to establish a definitive association between this variant and the reported condition. Therefore, this variant is classified as a variant of uncertain significance.

NM_001291415.2(KDM6A):c.2081G>T (p.Gly694Val)

Gene: KDM6A (lysine demethylase 6A; plus strand). Cytogenetic location: Xp11.3.
Variant type: single nucleotide variant.
Coding change: c.2081G>T on transcript NM_001291415.2 (MANE Select); coding-DNA position 2081, G replaced by T.
Protein change: p.Gly694Val; replaces glycine 694 with valine.
Molecular consequence: missense variant. On other transcripts: non-coding transcript variant (1).
Genome position (GRCh38, 1-based): chrX:45,069,580, G>T. VCF-style: chrX-45069580-G-T. GRCh37 (hg19) VCF-style: chrX-44928825-G-T.
Other names: c.1946G>T, p.Gly649Val (NM_001291416.2, NM_001419811.1); c.1790G>T, p.Gly597Val (NM_001291417.2); c.1688G>T, p.Gly563Val (NM_001291418.2, NM_001419815.1); c.1037G>T, p.Gly346Val (NM_001291421.2); c.1823G>T, p.Gly608Val (NM_001410742.1, NM_001419814.1); c.2081G>T, p.Gly694Val (NM_001419809.1); c.1979G>T, p.Gly660Val (NM_001419810.1, NM_001419813.1); c.1925G>T, p.Gly642Val (NM_001419812.1, NM_021140.4); short protein forms G346V, G563V, G597V, G608V, G642V, G649V, G660V, G694V.
Identifiers: ClinVar variation 5021045 (VCV005021045.1).
Genomic context (GRCh38, chrX:45,069,580, plus strand): 5'-ATTCTGTATATTCTGAGTTTGCTTAATATTAGATTTAAACTATTTTTCTTTCTTTTTAGG[G>T]GCTTCACAAAGGTCAGAGTTCACATTCGGCAGGTCCTAATGGTGAACGACCTCTCTCTTC-3'
Protein context (NP_001278344.1, residues 684-704): WKNQLSNSTQ[Gly694Val]LHKGQSSHSA